The following is an entry in ClinVar:

NM_033380.3(COL4A5):c.3509G>A (p.Gly1170Asp)

Gene: COL4A5 (collagen type IV alpha 5 chain; plus strand). Cytogenetic location: Xq22.3.
Variant type: single nucleotide variant.
Coding change: c.3509G>A on transcript NM_033380.3 (MANE Select); coding-DNA position 3509, G replaced by A.
Protein change: p.Gly1170Asp; replaces glycine 1170 with aspartic acid.
Molecular consequence: missense variant.
Genome position (GRCh38, 1-based): chrX:108,666,550, G>A. VCF-style: chrX-108666550-G-A. GRCh37 (hg19) VCF-style: chrX-107909780-G-A.
Other names: c.3509G>A, p.Gly1170Asp (NM_000495.5); short protein forms G1170D.
Identifiers: ClinVar variation 397601 (VCV000397601.5), dbSNP rs1060499710, ClinGen allele CA16609464.

ClinVar aggregate classification (germline): Likely pathogenic. Review status: criteria provided, multiple submitters, no conflicts (2 of 4 stars). 3 submissions from 3 submitters: Likely pathogenic (2). 1 of the submissions does not count toward it. Last evaluated 2026-06-01.

Conditions:
X-linked Alport syndrome (ATS1). Also called: COL4A5-Related Nephropathy; NEPHROPATHY AND DEAFNESS, X-LINKED. Identifiers: Orphanet 63, Orphanet 88917, MedGen C4746986, MONDO:0010520, OMIM 301050.

Submissions (3):

CeGaT Center for Human Genetics Tuebingen
Classification: Likely pathogenic. Last evaluated: 2026-06-01. Review status: criteria provided, single submitter. Criteria: CeGaT Center For Human Genetics Tuebingen Variant Classification Criteria Version 2. Collection method: clinical testing. Allele origin: germline. Affected: yes. Observed: 1 variant allele.
Comment: COL4A5: PM1:Strong, PM2, PM5, PP3

Fulgent Genetics
Classification: Likely pathogenic for X-linked Alport syndrome. Last evaluated: 2021-07-13. Review status: criteria provided, single submitter. Criteria: ACMG Guidelines, 2015. Collection method: clinical testing. Allele origin: unknown.

Bioscientia Institut fuer Medizinische Diagnostik GmbH, Sonic Healthcare
Classification: Likely pathogenic for X-linked Alport syndrome. Review status: no assertion criteria provided. Collection method: clinical testing. Allele origin: germline. Affected: yes. Not counted in ClinVar's aggregate classification.